The following is an entry in ClinVar:

NM_001017980.4(VMA21):c.226G>A (p.Val76Ile)

Gene: VMA21 (vacuolar ATPase assembly factor VMA21; plus strand). Cytogenetic location: Xq28.
Variant type: single nucleotide variant.
Coding change: c.226G>A on transcript NM_001017980.4 (MANE Select); coding-DNA position 226, G replaced by A.
Protein change: p.Val76Ile; replaces valine 76 with isoleucine.
Molecular consequence: missense variant.
Genome position (GRCh38, 1-based): chrX:151,404,978, G>A. VCF-style: chrX-151404978-G-A. GRCh37 (hg19) VCF-style: chrX-150573450-G-A.
Other names: c.391G>A, p.Val131Ile (NM_001363810.1); c.226G>A (NM_001017980.3); short protein forms V76I, V131I.
Identifiers: ClinVar variation 1426301 (VCV001426301.8), dbSNP rs376099956, ClinGen allele CA10540589.

ClinVar aggregate classification (germline): Uncertain significance. Review status: criteria provided, multiple submitters, no conflicts (2 of 4 stars). 2 submissions from 2 submitters: Uncertain significance (2). Last evaluated 2025-07-28.

Conditions:
X-linked myopathy with excessive autophagy (AVM). Also called: Vacuolar myopathy; Autophagic vacuolar myopathy. Identifiers: Orphanet 25980, MedGen C1839615, MONDO:0010684, OMIM 310440.
Inborn genetic diseases. Identifiers: MedGen C0950123, MeSH D030342.

Allele frequency attached by ClinVar (database versions not stated): gnomAD exomes 0.00001 and 0.00004; gnomAD 0.00004; TOPMed 0.00006; ExAC 0.00007; ESP Exome Variant Server 0.00009.

Submissions (2):

Labcorp Genetics (formerly Invitae), Labcorp
Classification: Uncertain significance for X-linked myopathy with excessive autophagy. Last evaluated: 2025-07-28. Review status: criteria provided, single submitter. Criteria: Invitae Variant Classification Sherloc (09022015). Collection method: clinical testing. Allele origin: germline.
Comment: This sequence change replaces valine, which is neutral and non-polar, with isoleucine, which is neutral and non-polar, at codon 76 of the VMA21 protein (p.Val76Ile). This variant is present in population databases (rs376099956, gnomAD 0.05%). This variant has not been reported in the literature in individuals affected with VMA21-related conditions. ClinVar contains an entry for this variant (Variation ID: 1426301). An algorithm developed to predict the effect of missense changes on protein structure and function (PolyPhen-2) suggests that this variant is likely to be tolerated. In summary, the available evidence is currently insufficient to determine the role of this variant in disease. Therefore, it has been classified as a Variant of Uncertain Significance.

Ambry Genetics
Classification: Uncertain significance for Inborn genetic diseases. Last evaluated: 2025-05-01. Review status: criteria provided, single submitter. Criteria: Ambry Variant Classification Scheme 2023. Collection method: clinical testing. Allele origin: germline.